The following is an entry in ClinVar:

NM_015557.3(CHD5):c.2805C>T (p.Asp935=)

Gene: CHD5 (chromodomain helicase DNA binding protein 5; minus strand). Cytogenetic location: 1p36.31.
Variant type: single nucleotide variant.
Coding change: c.2805C>T on transcript NM_015557.3 (MANE Select); coding-DNA position 2805, C replaced by T.
Protein change: p.Asp935=; no amino-acid change (aspartic acid 935 retained).
Molecular consequence: synonymous variant.
Genome position (GRCh38, 1-based): chr1:6,135,295, G>A on the plus strand (C>T on the coding strand, the complement: CHD5 is on the minus strand). VCF-style: chr1-6135295-G-A. GRCh37 (hg19) VCF-style: chr1-6195355-G-A.
Identifiers: ClinVar variation 2638118 (VCV002638118.24), dbSNP rs138024085, ClinGen allele CA556664.

ClinVar aggregate classification (germline): Benign (1 of 4 stars; one submission).

Allele frequency attached by ClinVar (database versions not stated): gnomAD exomes 0.00003; ExAC 0.00008; 1000 Genomes Project 30x 0.00016; 1000 Genomes Project 0.00020; gnomAD 0.00031; ESP Exome Variant Server 0.00046; TOPMed 0.00032.
gnomAD v4.1: 89 of 1,614,160 alleles (0.0055%); highest among the groups gnomAD compares: African/African-American, 0.099%; 1 homozygote.

Submission:

CeGaT Center for Human Genetics Tuebingen
Classification: Benign. Last evaluated: 2022-09-01. Review status: criteria provided, single submitter. Criteria: CeGaT Center For Human Genetics Tuebingen Variant Classification Criteria Version 2. Collection method: clinical testing. Allele origin: germline. Affected: yes. Observed: 1 variant allele.
Comment: CHD5: BS1, BS2